The following is an entry in ClinVar:

NM_001369.3(DNAH5):c.3297del (p.Val1101fs)

Genes: DNAH5 (dynein axonemal heavy chain 5; minus strand), DNAH5-AS1 (DNAH5 antisense RNA 1; plus strand). Cytogenetic location: 5p15.2.
Variant type: Deletion.
Coding change: c.3297del on transcript NM_001369.3 (MANE Select); coding-DNA position 3297, one base deleted (T; older notation c.3297delT).
Protein change: p.Val1101fs; shifts the reading frame from valine 1101.
Molecular consequence: frameshift variant.
Genome position (GRCh38, 1-based): chr5:13,876,783, A deleted on the plus strand (T on the coding strand, the reverse complement: DNAH5 is on the minus strand); the first of 2 consecutive A bases (chr5:13,876,783-13,876,784); deleting either gives the same sequence. VCF-style (leftmost placement, unchanged base first): chr5-13876782-GA-G. GRCh37 (hg19) VCF-style: chr5-13876891-GA-G.
Other names: short protein forms V1101fs.
Identifiers: ClinVar variation 2817443 (VCV002817443.3), dbSNP rs2547014293, ClinGen allele CA2739274589.

ClinVar aggregate classification (germline): Pathogenic (1 of 4 stars; one submission).

Conditions:
Primary ciliary dyskinesia. Also called: Ciliary dyskinesia. Identifiers: Orphanet 244, MedGen C0008780, MONDO:0016575, HP:0012265.

Submission:

Labcorp Genetics (formerly Invitae), Labcorp
Classification: Pathogenic for Primary ciliary dyskinesia. Last evaluated: 2023-02-24. Review status: criteria provided, single submitter. Criteria: Invitae Variant Classification Sherloc (09022015). Collection method: clinical testing. Allele origin: germline.
Comment: This sequence change creates a premature translational stop signal (p.Val1101Cysfs*17) in the DNAH5 gene. It is expected to result in an absent or disrupted protein product. Loss-of-function variants in DNAH5 are known to be pathogenic (PMID: 11788826, 16627867). This variant is not present in population databases (gnomAD no frequency). This variant has not been reported in the literature in individuals affected with DNAH5-related conditions. For these reasons, this variant has been classified as Pathogenic.

Literature cited by the submitters: PubMed 11788826; PubMed 16627867.